The following is an entry in ClinVar:

NM_001323289.2(CDKL5):c.250A>T (p.Lys84Ter)

Gene: CDKL5 (cyclin dependent kinase like 5; plus strand). Cytogenetic location: Xp22.13.
Variant type: single nucleotide variant.
Coding change: c.250A>T on transcript NM_001323289.2 (MANE Select); coding-DNA position 250, A replaced by T.
Protein change: p.Lys84Ter; replaces lysine 84 with a stop codon.
Molecular consequence: nonsense.
Genome position (GRCh38, 1-based): chrX:18,575,458, A>T. VCF-style: chrX-18575458-A-T. GRCh37 (hg19) VCF-style: chrX-18593578-A-T.
Other names: p.K84*:AAG>TAG; c.250A>T, p.Lys84Ter (NM_001037343.2, NM_003159.3); short protein forms K84*.
Identifiers: ClinVar variation 156593 (VCV000156593.2), dbSNP rs587783074, ClinGen allele CA294586.

ClinVar aggregate classification (germline): Pathogenic (1 of 4 stars; one submission).

Submission:

GeneDx
Classification: Pathogenic. Last evaluated: 2013-01-31. Review status: criteria provided, single submitter. Criteria: GeneDx Variant Classification (06012015). Collection method: clinical testing. Allele origin: germline. Affected: yes.
Comment: The Lys84Stop nonsense mutation in the CDKL5 gene is predicted to cause loss of normal protein function either through protein truncation or nonsense-mediated mRNA decay. Although this mutation has not been reported previously to our knowledge, other nonsense mutations have been reported in the CDKL5 gene. The variant is found in INFANT-EPI panel(s).